The following is an entry in ClinVar:

ClinVar aggregate classification (germline): Uncertain significance (1 of 4 stars; one submission).

Conditions:
Autosomal dominant centronuclear myopathy. Also called: Myopathy, centronuclear, 3; MYOTUBULAR MYOPATHY, AUTOSOMAL DOMINANT. Identifiers: Orphanet 169189, MedGen C4551952, MeSH D020914, MONDO:0008048, OMIM 160150.

Submission:

Neuberg Centre For Genomic Medicine, NCGM
Classification: Uncertain significance for Autosomal dominant centronuclear myopathy. Last evaluated: 2023-05-20. Review status: criteria provided, single submitter. Criteria: ACMG Guidelines, 2015. Collection method: clinical testing. Allele origin: germline. Inheritance: Autosomal dominant inheritance. Affected: yes.
Comment: The observed missense c.161G>A(p.Arg54Gln) variant in DNM2 gene has not been reported previously as a pathogenic variant nor as a benign variant, to our knowledge. This variant is absent in gnomAD Exomes. The amino acid Arg at position 54 is changed to a Gln changing protein sequence and it might alter its composition and physico-chemical properties. The amino acid change p.Arg54Gln in DNM2 is predicted as conserved by GERP++ and PhyloP across 100 vertebrates. Multiple lines of computational evidence (Polyphen - Possibly Damaging, SIFT - Damaging, and MutationTaster - Disease causing) predict a damaging effect on protein structure and function for this variant. For these reasons, this variant has been classified as Uncertain Significance.

NM_001005361.3(DNM2):c.161G>A (p.Arg54Gln)

Genes: DNM2 (dynamin 2; plus strand), LOC130063529 (ATAC-STARR-seq lymphoblastoid silent region 10090; plus strand). Cytogenetic location: 19p13.2.
Variant type: single nucleotide variant.
Coding change: c.161G>A on transcript NM_001005361.3 (MANE Select); coding-DNA position 161, G replaced by A.
Protein change: p.Arg54Gln; replaces arginine 54 with glutamine.
Molecular consequence: missense variant.
Genome position (GRCh38, 1-based): chr19:10,718,403, G>A. VCF-style: chr19-10718403-G-A. GRCh37 (hg19) VCF-style: chr19-10829079-G-A.
Other names: c.161G>A, p.Arg54Gln (NM_001005360.3, NM_001005362.3, NM_001190716.2 and 1 more transcripts); short protein forms R54Q.
Identifiers: ClinVar variation 3341338 (VCV003341338.1).
Genomic context (GRCh38, chr19:10,718,403, plus strand): 5'-TCGCTGTAGTGGGCGGCCAGAGCGCCGGCAAGAGCTCGGTGCTGGAGAACTTCGTGGGCC[G>A]GTGAGCGGGCGCGGCAGGGATCGCGGGCGGGTGGCGGCCTAGGGCGCGGAGGGCGGACCG-3'
Protein context (NP_001005361.1, residues 44-64): KSSVLENFVG[Arg54Gln]DFLPRGSGIV